The following is an entry in ClinVar:

NM_004621.6(TRPC6):c.2694_2696del (p.Leu899del)

Gene: TRPC6 (transient receptor potential cation channel subfamily C member 6; minus strand). Cytogenetic location: 11q22.1.
Variant type: Deletion.
Coding change: c.2694_2696del on transcript NM_004621.6 (MANE Select); coding-DNA positions 2694 to 2696, 3 bases deleted (CCT; older notation c.2694_2696delCCT).
Protein change: p.Leu899del; deletes leucine 899.
Molecular consequence: inframe deletion.
Genome position (GRCh38, 1-based): chr11:101,453,055-101,453,057, AGG deleted on the plus strand (CCT on the coding strand, the reverse complement: TRPC6 is on the minus strand); deleting any 3 consecutive bases within chr11:101,453,055-101,453,059 gives the same sequence; the c. name uses the placement nearest the transcript's 3' end. VCF-style (leftmost placement, unchanged base first): chr11-101453054-AAGG-A. GRCh37 (hg19) VCF-style: chr11-101323785-AAGG-A.
Other names: short protein forms L899del.
Identifiers: ClinVar variation 1675196 (VCV001675196.2), dbSNP rs2136635187, ClinGen allele CA2573146322.

ClinVar aggregate classification (germline): Uncertain significance (1 of 4 stars; one submission).

Conditions:
Focal segmental glomerulosclerosis 2 (FSGS2). Identifiers: Orphanet 656, MedGen C1858915, MONDO:0011390, OMIM 603965.

Submission:

Centre of Medical Genetics, University Hospital Muenster
Classification: Uncertain significance for Focal segmental glomerulosclerosis 2. Last evaluated: 2020-04-19. Review status: criteria provided, single submitter. Criteria: ACMG Guidelines, 2015. Collection method: clinical testing. Allele origin: germline. Affected: yes. Observed: 1 variant allele, 1 heterozygote.
Comment: ACMG categories: PM2,PM4